The following is an entry in ClinVar:

NM_145239.3(PRRT2):c.227C>T (p.Ala76Val)

Genes: MVP-DT (MVP divergent transcript; minus strand), PRRT2 (proline rich transmembrane protein 2; plus strand). Cytogenetic location: 16p11.2.
Variant type: single nucleotide variant.
Coding change: c.227C>T on transcript NM_145239.3 (MANE Select); coding-DNA position 227, C replaced by T.
Protein change: p.Ala76Val; replaces alanine 76 with valine.
Molecular consequence: missense variant.
Genome position (GRCh38, 1-based): chr16:29,813,281, C>T. VCF-style: chr16-29813281-C-T. GRCh37 (hg19) VCF-style: chr16-29824602-C-T.
Other names: c.227C>T, p.Ala76Val (NM_001256442.2, NM_001256443.2); short protein forms A76V.
Identifiers: ClinVar variation 2501289 (VCV002501289.1), dbSNP rs2543331997, ClinGen allele CA395477751.

ClinVar aggregate classification (germline): Uncertain significance (1 of 4 stars; one submission).

Submission:

Women's Health and Genetics/Laboratory Corporation of America, LabCorp
Classification: Uncertain significance. Last evaluated: 2023-03-27. Review status: criteria provided, single submitter. Criteria: LabCorp Variant Classification Summary - May 2015. Collection method: clinical testing. Allele origin: germline.
Comment: Variant summary: PRRT2 c.227C>T (p.Ala76Val) results in a non-conservative amino acid change in the encoded protein sequence. Four of five in-silico tools predict a benign effect of the variant on protein function. The variant was absent in 249930 control chromosomes. The available data on variant occurrences in the general population are insufficient to allow any conclusion about variant significance. To our knowledge, no occurrence of c.227C>T in individuals affected with Episodic Kinesigenic Dyskinesia 1 and no experimental evidence demonstrating its impact on protein function have been reported. No submitters have provided clinical-significance assessments for this variant to ClinVar after 2014. Based on the evidence outlined above, the variant was classified as uncertain significance.